The following is an entry in ClinVar:

NM_181507.2(HPS5):c.997G>A (p.Val333Met)

Gene: HPS5 (HPS5 biogenesis of lysosomal organelles complex 2 subunit 2; minus strand). Cytogenetic location: 11p15.1.
Variant type: single nucleotide variant.
Coding change: c.997G>A on transcript NM_181507.2 (MANE Select); coding-DNA position 997, G replaced by A.
Protein change: p.Val333Met; replaces valine 333 with methionine.
Molecular consequence: missense variant.
Genome position (GRCh38, 1-based): chr11:18,298,959, C>T on the plus strand (G>A on the coding strand, the complement: HPS5 is on the minus strand). VCF-style: chr11-18298959-C-T. GRCh37 (hg19) VCF-style: chr11-18320506-C-T.
Other names: c.655G>A, p.Val219Met (NM_007216.4, NM_181508.2); short protein forms V219M, V333M.
Identifiers: ClinVar variation 1005941 (VCV001005941.8), dbSNP rs1338278363, ClinGen allele CA379498580.

ClinVar aggregate classification (germline): Uncertain significance (1 of 4 stars; one submission).

Allele frequency attached by ClinVar (database versions not stated): gnomAD exomes below 0.00001; gnomAD 0.00001; TOPMed 0.00001.
gnomAD v4.1: 4 of 1,614,078 alleles (0.00025%); highest among the groups gnomAD compares: African/African-American, 0.0013%; no homozygotes.

Submission:

Labcorp Genetics (formerly Invitae), Labcorp
Classification: Uncertain significance. Last evaluated: 2024-02-13. Review status: criteria provided, single submitter. Criteria: Invitae Variant Classification Sherloc (09022015). Collection method: clinical testing. Allele origin: germline.
Comment: This sequence change replaces valine, which is neutral and non-polar, with methionine, which is neutral and non-polar, at codon 333 of the HPS5 protein (p.Val333Met). This variant is not present in population databases (gnomAD no frequency). This variant has not been reported in the literature in individuals affected with HPS5-related conditions. ClinVar contains an entry for this variant (Variation ID: 1005941). An algorithm developed to predict the effect of missense changes on protein structure and function (PolyPhen-2) suggests that this variant is likely to be tolerated. In summary, the available evidence is currently insufficient to determine the role of this variant in disease. Therefore, it has been classified as a Variant of Uncertain Significance.